The following is an entry in ClinVar:

NM_007294.4(BRCA1):c.5277+5A>T

Gene: BRCA1 (BRCA1 DNA repair associated; minus strand). Cytogenetic location: 17q21.31.
Variant type: single nucleotide variant.
Coding change: c.5277+5A>T on transcript NM_007294.4 (MANE Select); 5 bases into the intron after coding-DNA position 5277, A replaced by T.
Molecular consequence: intron variant.
Genome position (GRCh38, 1-based): chr17:43,057,047, T>A on the plus strand (A>T on the coding strand, the complement: BRCA1 is on the minus strand). VCF-style: chr17-43057047-T-A. GRCh37 (hg19) VCF-style: chr17-41209064-T-A.
Other names: c.1824+5A>T (NM_001408458.1, NM_001408461.1, NM_001408464.1 and 7 more transcripts); c.4386+5A>T (NM_001407967.1); c.4896+5A>T (NM_001407959.1); c.5010+5A>T (NM_001407931.1, NM_001407932.1, NM_001407928.1 and 4 more transcripts); c.5133+5A>T (NM_001407747.1, NM_001407745.1, NM_001407737.1 and 21 more transcripts); c.4893+5A>T (NM_001407962.1, NM_001407960.1); c.1464+5A>T (NM_001408512.1); c.1587+5A>T (NM_001408510.1); and 72 more.
Identifiers: ClinVar variation 55498 (VCV000055498.4), dbSNP rs397509252, ClinGen allele CA003426.

ClinVar aggregate classification (germline): not provided (0 of 4 stars; one submission).

Conditions:
Familial cancer of breast. Also called: hereditary breast carcinoma; BREAST CANCER, FAMILIAL; Hereditary breast cancer. Identifiers: Orphanet 227535, MedGen C0346153, MONDO:0016419, OMIM 114480. Disease mechanism: loss of function.

Submissions (2):

Brotman Baty Institute, University of Washington
No classification provided (evidence only). Condition: Breast-ovarian cancer, familial 1. Review status: no classification provided. Collection method: in vitro. Allele origin: not applicable. Functional consequence: functionally_normal. Not counted in ClinVar's aggregate classification.
ClinVar note: "not provided" was previously submitted as the classification for the variant. However, the classification appeared to be based only on an observation of functional data so it was converted to no classification on 2025-07-30.

ClinVar Staff, National Center for Biotechnology Information (NCBI)
No classification provided. Condition: Familial cancer of breast. Review status: no classification provided. Collection method: literature only. Allele origin: germline. Affected: yes.

Literature cited by the submitters: PubMed 12497638 (cited by ClinVar Staff, National Center for Biotechnology Information (NCBI)).